The following is an entry in ClinVar:

NM_000026.4(ADSL):c.155C>A (p.Thr52Lys)

Gene: ADSL (adenylosuccinate lyase; plus strand). Cytogenetic location: 22q13.1.
Variant type: single nucleotide variant.
Coding change: c.155C>A on transcript NM_000026.4 (MANE Select); coding-DNA position 155, C replaced by A.
Protein change: p.Thr52Lys; replaces threonine 52 with lysine.
Molecular consequence: missense variant. On other transcripts: 5 prime UTR variant (1), non-coding transcript variant (1).
Genome position (GRCh38, 1-based): chr22:40,349,833, C>A. VCF-style: chr22-40349833-C-A. GRCh37 (hg19) VCF-style: chr22-40745837-C-A.
Other names: c.155C>A, p.Thr52Lys (NM_001123378.3, NM_001363840.3); c.-38C>A (NM_001317923.2); short protein forms T52K.
Identifiers: ClinVar variation 571058 (VCV000571058.10), dbSNP rs1380095056, ClinGen allele CA411633925.

ClinVar aggregate classification (germline): Uncertain significance (1 of 4 stars; one submission).

Conditions:
Adenylosuccinate lyase deficiency (ADSLD). Also called: ADSL DEFICIENCY. Identifiers: Orphanet 46, MedGen C0268126, MONDO:0007068, OMIM 103050.

gnomAD v4.1: 2 of 1,613,650 alleles (0.00012%); highest among the groups gnomAD compares: Non-Finnish European, 0.00017%; no homozygotes.

Submission:

Labcorp Genetics (formerly Invitae), Labcorp
Classification: Uncertain significance for Adenylosuccinate lyase deficiency. Last evaluated: 2024-02-17. Review status: criteria provided, single submitter. Criteria: Invitae Variant Classification Sherloc (09022015). Collection method: clinical testing. Allele origin: germline.
Comment: This sequence change replaces threonine, which is neutral and polar, with lysine, which is basic and polar, at codon 52 of the ADSL protein (p.Thr52Lys). This variant is not present in population databases (gnomAD no frequency). This variant has not been reported in the literature in individuals affected with ADSL-related conditions. ClinVar contains an entry for this variant (Variation ID: 571058). Algorithms developed to predict the effect of missense changes on protein structure and function output the following: SIFT: "Not Available"; PolyPhen-2: "Benign"; Align-GVGD: "Not Available". The lysine amino acid residue is found in multiple mammalian species, which suggests that this missense change does not adversely affect protein function. In summary, the available evidence is currently insufficient to determine the role of this variant in disease. Therefore, it has been classified as a Variant of Uncertain Significance.